The following is an entry in ClinVar:

NM_017617.5(NOTCH1):c.7178A>G (p.Gln2393Arg)

Gene: NOTCH1 (notch receptor 1; minus strand). Cytogenetic location: 9q34.3.
Variant type: single nucleotide variant.
Coding change: c.7178A>G on transcript NM_017617.5 (MANE Select); coding-DNA position 7178, A replaced by G.
Protein change: p.Gln2393Arg; replaces glutamine 2393 with arginine.
Molecular consequence: missense variant.
Genome position (GRCh38, 1-based): chr9:136,496,561, T>C on the plus strand (A>G on the coding strand, the complement: NOTCH1 is on the minus strand). VCF-style: chr9-136496561-T-C. GRCh37 (hg19) VCF-style: chr9-139391013-T-C.
Other names: short protein forms Q2393R.
Identifiers: ClinVar variation 996739 (VCV000996739.4), dbSNP rs1842918022, ClinGen allele CA375627804.

ClinVar aggregate classification (germline): Uncertain significance. Review status: criteria provided, single submitter (1 of 4 stars). 2 submissions from 2 submitters: Uncertain significance (1). 1 of the submissions does not count toward it. Last evaluated 2023-08-22.

Conditions:
Adams-Oliver syndrome 5 (AOS5). Identifiers: Orphanet 974, MedGen C4014970, MONDO:0014459, OMIM 616028.
Hypoplastic left heart syndrome. Also called: Hypoplastic left ventricle; Hypoplastic left heart. Identifiers: Orphanet 2248, MedGen C0152101, MONDO:0004933, HP:0004383.

Submissions (2):

Labcorp Genetics (formerly Invitae), Labcorp
Classification: Uncertain significance for Adams-Oliver syndrome 5. Last evaluated: 2023-08-22. Review status: criteria provided, single submitter. Criteria: Invitae Variant Classification Sherloc (09022015). Collection method: clinical testing. Allele origin: germline.
Comment: ClinVar contains an entry for this variant (Variation ID: 996739). This missense change has been observed in individual(s) with NOTCH1-related conditions (PMID: 30511478). This variant is not present in population databases (gnomAD no frequency). This sequence change replaces glutamine, which is neutral and polar, with arginine, which is basic and polar, at codon 2393 of the NOTCH1 protein (p.Gln2393Arg). Advanced modeling of protein sequence and biophysical properties (such as structural, functional, and spatial information, amino acid conservation, physicochemical variation, residue mobility, and thermodynamic stability) performed at Invitae indicates that this missense variant is not expected to disrupt NOTCH1 protein function. In summary, the available evidence is currently insufficient to determine the role of this variant in disease. Therefore, it has been classified as a Variant of Uncertain Significance.

University of Washington Center for Mendelian Genomics, University of Washington
Classification: Uncertain significance for hypoplastic left heart syndrome. Review status: no assertion criteria provided. Collection method: research. Allele origin: unknown. Affected: yes. Not counted in ClinVar's aggregate classification.

Literature cited by the submitters: PubMed 30511478 (cited by Labcorp Genetics (formerly Invitae), Labcorp and University of Washington Center for Mendelian Genomics, University of Washington).